The following is an entry in ClinVar:

NM_022166.4(XYLT1):c.2417C>A (p.Thr806Lys)

Gene: XYLT1 (xylosyltransferase 1; minus strand). Cytogenetic location: 16p12.3.
Variant type: single nucleotide variant.
Coding change: c.2417C>A on transcript NM_022166.4 (MANE Select); coding-DNA position 2417, C replaced by A.
Protein change: p.Thr806Lys; replaces threonine 806 with lysine.
Molecular consequence: missense variant.
Genome position (GRCh38, 1-based): chr16:17,117,786, G>T on the plus strand (C>A on the coding strand, the complement: XYLT1 is on the minus strand). VCF-style: chr16-17117786-G-T. GRCh37 (hg19) VCF-style: chr16-17211643-G-T.
Other names: c.2417C>A (NM_022166.3); short protein forms T806K.
Identifiers: ClinVar variation 1481618 (VCV001481618.9), dbSNP rs1338243795, ClinGen allele CA395218439.

ClinVar aggregate classification (germline): Uncertain significance. Review status: criteria provided, multiple submitters, no conflicts (2 of 4 stars). 2 submissions from 2 submitters: Uncertain significance (2). Last evaluated 2024-03-19.

Conditions:
Inborn genetic diseases. Identifiers: MedGen C0950123, MeSH D030342.
Desbuquois dysplasia 1 (DBQD1). Also called: MICROMELIC DWARFISM WITH VERTEBRAL AND METAPHYSEAL ABNORMALITIES AND ADVANCED CARPOTARSAL OSSIFICATION; DESBUQUOIS DYSPLASIA 1, KIM VARIANT. Identifiers: Orphanet 1425, MedGen C4012146, MONDO:0009629, OMIM 251450.

gnomAD v4.1: 2 of 1,614,216 alleles (0.00012%); highest among the groups gnomAD compares: East Asian, 0.0045%; no homozygotes.

Submissions (2):

Ambry Genetics
Classification: Uncertain significance for Inborn genetic diseases. Last evaluated: 2024-03-19. Review status: criteria provided, single submitter. Criteria: Ambry Variant Classification Scheme 2023. Collection method: clinical testing. Allele origin: germline.

Labcorp Genetics (formerly Invitae), Labcorp
Classification: Uncertain significance for Desbuquois dysplasia 1. Last evaluated: 2020-11-04. Review status: criteria provided, single submitter. Criteria: Invitae Variant Classification Sherloc (09022015). Collection method: clinical testing. Allele origin: germline.
Comment: This variant is not present in population databases (ExAC no frequency). This sequence change replaces threonine with lysine at codon 806 of the XYLT1 protein (p.Thr806Lys). The threonine residue is highly conserved and there is a moderate physicochemical difference between threonine and lysine. This variant has not been reported in the literature in individuals with XYLT1-related conditions. In summary, the available evidence is currently insufficient to determine the role of this variant in disease. Therefore, it has been classified as a Variant of Uncertain Significance. Algorithms developed to predict the effect of missense changes on protein structure and function are either unavailable or do not agree on the potential impact of this missense change (SIFT: "Tolerated"; PolyPhen-2: "Probably Damaging"; Align-GVGD: "Class C0").